The following is an entry in ClinVar:

NM_032242.4(PLXNA1):c.3862C>T (p.Leu1288=)

Gene: PLXNA1 (plexin A1; plus strand). Cytogenetic location: 3q21.3.
Variant type: single nucleotide variant.
Coding change: c.3862C>T on transcript NM_032242.4 (MANE Select); coding-DNA position 3862, C replaced by T.
Protein change: p.Leu1288=; no amino-acid change (leucine 1288 retained).
Molecular consequence: synonymous variant.
Genome position (GRCh38, 1-based): chr3:127,018,495, C>T. VCF-style: chr3-127018495-C-T. GRCh37 (hg19) VCF-style: chr3-126737338-C-T.
Identifiers: ClinVar variation 3356580 (VCV003356580.1).

ClinVar aggregate classification (germline): Likely benign (0 of 4 stars; one submission).

Conditions:
PLXNA1-related disorder. Also called: PLXNA1-related condition.

gnomAD v4.1: 1 of 1,611,838 alleles (0.000062%); highest among the groups gnomAD compares: Non-Finnish European, 0.000085%; no homozygotes.

Submission:

PreventionGenetics, part of Exact Sciences
Classification: Likely benign for PLXNA1-related condition. Last evaluated: 2023-07-14. Review status: no assertion criteria provided. Collection method: clinical testing. Allele origin: germline.
Comment: This variant is classified as likely benign based on ACMG/AMP sequence variant interpretation guidelines (Richards et al. 2015 PMID: 25741868, with internal and published modifications).